The following is an entry in ClinVar:

NM_001010892.3(RSPH4A):c.11C>G (p.Ser4Ter)

Gene: RSPH4A (radial spoke head component 4A; plus strand). Cytogenetic location: 6q22.1.
Variant type: single nucleotide variant.
Coding change: c.11C>G on transcript NM_001010892.3 (MANE Select); coding-DNA position 11, C replaced by G.
Protein change: p.Ser4Ter; replaces serine 4 with a stop codon.
Molecular consequence: nonsense.
Genome position (GRCh38, 1-based): chr6:116,616,634, C>G. VCF-style: chr6-116616634-C-G. GRCh37 (hg19) VCF-style: chr6-116937797-C-G.
Other names: c.11C>G, p.Ser4Ter (NM_001161664.2); short protein forms S4*.
Identifiers: ClinVar variation 525311 (VCV000525311.7), dbSNP rs1554247978, ClinGen allele CA365388071.

ClinVar aggregate classification (germline): Pathogenic (1 of 4 stars; one submission).

Conditions:
Primary ciliary dyskinesia. Also called: Ciliary dyskinesia. Identifiers: Orphanet 244, MedGen C0008780, MONDO:0016575, HP:0012265.

Allele frequency attached by ClinVar (database versions not stated): gnomAD exomes below 0.00001.
gnomAD v4.1: 1 of 1,612,904 alleles (0.000062%); highest among the groups gnomAD compares: Non-Finnish European, 0.000085%; no homozygotes.

Submission:

Labcorp Genetics (formerly Invitae), Labcorp
Classification: Pathogenic for Primary ciliary dyskinesia. Last evaluated: 2017-09-27. Review status: criteria provided, single submitter. Criteria: Invitae Variant Classification Sherloc (09022015). Collection method: clinical testing. Allele origin: germline.
Comment: Loss-of-function variants in RSPH4A are known to be pathogenic (PMID: 19200523). For these reasons, this variant has been classified as Pathogenic. This variant has not been reported in the literature in individuals with RSPH4A-related disease. This sequence change creates a premature translational stop signal (p.Ser4*) in the RSPH4A gene. It is expected to result in an absent or disrupted protein product. This variant is not present in population databases (ExAC no frequency).

Literature cited by the submitters: PubMed 19200523.